The following is an entry in ClinVar:

ClinVar aggregate classification (germline): Uncertain significance. Review status: criteria provided, multiple submitters, no conflicts (2 of 4 stars). 7 submissions from 7 submitters: Uncertain significance (6). 1 of the submissions does not count toward it. Last evaluated 2025-06-17.

Conditions:
MYH7-related disorder. Also called: MYH7-related condition; MYH7-related disease; MYH7-related disorders.
Cardiovascular phenotype. Identifiers: MedGen CN230736.
Cardiomyopathy (CMYO). Also called: Cardiomyopathies. Identifiers: Orphanet 167848, MedGen C0878544, MONDO:0004994, HP:0001638. Inheritance: Various modes of inheritance.
Hypertrophic cardiomyopathy. Also called: HYPERTROPHIC MYOCARDIOPATHY. Identifiers: Orphanet 217569, MedGen C0007194, MeSH D002312, MONDO:0005045, HP:0001639.

Allele frequency attached by ClinVar (database versions not stated): gnomAD exomes below 0.00001.
gnomAD v4.1: 6 of 1,614,176 alleles (0.00037%); highest among the groups gnomAD compares: African/African-American, 0.0013%; no homozygotes.

Submissions (7):

Women's Health and Genetics/Laboratory Corporation of America, LabCorp
Classification: Uncertain significance. Last evaluated: 2025-06-17. Review status: criteria provided, single submitter. Criteria: LabCorp Variant Classification Summary - May 2015. Collection method: clinical testing. Allele origin: germline.
Comment: Variant summary: MYH7 c.2377C>T (p.Arg793X) results in a premature termination codon, predicted to cause a truncation of the encoded protein or absence of the protein due to nonsense mediated decay, however current evidence is not sufficient to establish loss of function as a mechanism for disease. The variant was absent in 251466 control chromosomes. The available data on variant occurrences in the general population are insufficient to allow any conclusion about variant significance. c.2377C>T has been observed in individual(s) affected with Acute Myocarditis( Kontorovich_2021) without evidence for causality. To our knowledge, no experimental evidence demonstrating an impact on protein function has been reported. The following publication has been ascertained in the context of this evaluation (PMID: 34368507). ClinVar contains an entry for this variant (Variation ID: 574743). Based on the evidence outlined above, the variant was classified as uncertain significance.

All of Us Research Program, National Institutes of Health
Classification: Uncertain significance for Cardiomyopathy. Last evaluated: 2023-10-02. Review status: criteria provided, single submitter. Criteria: ACMG Guidelines, 2015. Collection method: clinical testing. Allele origin: germline. Inheritance: Autosomal dominant inheritance. Observed: 2 variant alleles, 2 heterozygotes.
Comment: This variant changes 1 nucleotide in exon 21 of the MYH7 gene, creating a premature translation stop signal. This variant is expected to result in an absent or non-functional protein product. To our knowledge, functional studies have not been reported for this variant. This variant has been reported in an individual affected with acute myocarditis (PMID: 34368507). This variant has not been identified in the general population by the Genome Aggregation Database (gnomAD). Clinical relevance of loss-of-function MYH7 truncation variants in autosomal dominant cardiovascular disorders is not clearly established. The available evidence is insufficient to determine the role of this variant in disease conclusively. Therefore, this variant is classified as a Variant of Uncertain Significance.

This study involves interpretation of variants in research participants for the purpose of population health screening. Participant phenotype was not available at the time of variant classification. Additional details can be found in publication PMID: 35346344, PMCID: PMC8962531

Color Diagnostics, LLC DBA Color Health
Classification: Uncertain significance for Cardiomyopathy. Last evaluated: 2023-09-01. Review status: criteria provided, single submitter. Criteria: ACMG Guidelines, 2015. Collection method: clinical testing. Allele origin: germline.
Comment: This variant changes 1 nucleotide in exon 21 of the MYH7 gene, creating a premature translation stop signal. This variant is expected to result in an absent or non-functional protein product. To our knowledge, functional studies have not been reported for this variant. This variant has been reported in an individual affected with acute myocarditis (PMID: 34368507). This variant has not been identified in the general population by the Genome Aggregation Database (gnomAD). Clinical relevance of loss-of-function MYH7 truncation variants in autosomal dominant cardiovascular disorders is not clearly established. The available evidence is insufficient to determine the role of this variant in disease conclusively. Therefore, this variant is classified as a Variant of Uncertain Significance.

GeneDx
Classification: Uncertain significance. Last evaluated: 2023-01-10. Review status: criteria provided, single submitter. Criteria: GeneDx Variant Classification Process June 2021. Collection method: clinical testing. Allele origin: germline. Affected: yes.
Comment: Has not been previously published as pathogenic or benign to our knowledge; Not observed at significant frequency in large population cohorts (gnomAD); Nonsense variant predicted to result in protein truncation or nonsense mediated decay in a gene for which loss-of-function is not a known mechanism of disease

Labcorp Genetics (formerly Invitae), Labcorp
Classification: Uncertain significance for Hypertrophic cardiomyopathy. Last evaluated: 2022-05-02. Review status: criteria provided, single submitter. Criteria: Invitae Variant Classification Sherloc (09022015). Collection method: clinical testing. Allele origin: germline.
Comment: This variant is not present in population databases (gnomAD no frequency). This sequence change creates a premature translational stop signal (p.Arg793*) in the MYH7 gene. It is expected to result in an absent or disrupted protein product. However, the current clinical and genetic evidence is not sufficient to establish whether loss-of-function variants in MYH7 cause disease. This variant has not been reported in the literature in individuals affected with MYH7-related conditions. In summary, the available evidence is currently insufficient to determine the role of this variant in disease. Therefore, it has been classified as a Variant of Uncertain Significance. ClinVar contains an entry for this variant (Variation ID: 574743).

Ambry Genetics
Classification: Uncertain significance for Cardiovascular phenotype. Last evaluated: 2021-03-19. Review status: criteria provided, single submitter. Criteria: Ambry Variant Classification Scheme 2023. Collection method: clinical testing. Allele origin: germline.
Comment: The p.R793* variant (also known as c.2377C>T), located in coding exon 19 of the MYH7 gene, results from a C to T substitution at nucleotide position 2377. This changes the amino acid from an arginine to a stop codon within coding exon 19. This alteration is expected to result in premature protein truncation or nonsense-mediated mRNA decay. However, loss of function of MYH7 has not been clearly established as a mechanism of disease. Since supporting evidence is limited at this time, the clinical significance of this alteration remains unclear.

PreventionGenetics, part of Exact Sciences
Classification: Uncertain significance for MYH7-related condition. Last evaluated: 2024-09-25. Review status: no assertion criteria provided. Collection method: clinical testing. Allele origin: germline. Not counted in ClinVar's aggregate classification.
Comment: The MYH7 c.2377C>T variant is predicted to result in premature protein termination (p.Arg793*). This variant has been reported in an individual with acute myocarditis (Kontorovich et al. 2021. PubMed ID: 34368507). This variant has not been reported in a large population database, indicating this variant is rare. Although we suspect that this variant may be pathogenic, at this time, the clinical significance of this variant is uncertain due to the absence of conclusive functional and genetic evidence.

Literature cited by the submitters: PubMed 34368507 (cited by 3 submitters).

NM_000257.4(MYH7):c.2377C>T (p.Arg793Ter)

Genes: MYH7 (myosin heavy chain 7; minus strand), LOC126861898 (BRD4-independent group 4 enhancer GRCh37_chr14:23893609-23894808; plus strand). Cytogenetic location: 14q11.2.
Variant type: single nucleotide variant.
Coding change: c.2377C>T on transcript NM_000257.4 (MANE Select); coding-DNA position 2377, C replaced by T.
Protein change: p.Arg793Ter; replaces arginine 793 with a stop codon.
Molecular consequence: nonsense.
Genome position (GRCh38, 1-based): chr14:23,425,328, G>A on the plus strand (C>T on the coding strand, the complement: MYH7 is on the minus strand). VCF-style: chr14-23425328-G-A. GRCh37 (hg19) VCF-style: chr14-23894537-G-A.
Other names: c.2377C>T (NM_000257.2); short protein forms R793*.
Identifiers: ClinVar variation 574743 (VCV000574743.19), dbSNP rs140175704, ClinGen allele CA257819682.